The following is an entry in ClinVar:

ClinVar aggregate classification (germline): Uncertain significance (1 of 4 stars; one submission).

Conditions:
ARHGEF28-related disorder. Also called: ARHGEF28-related condition.

Allele frequency attached by ClinVar (database versions not stated): gnomAD 0.00001; TOPMed 0.00001.
gnomAD v4.1: 7 of 1,548,330 alleles (0.00045%); highest among the groups gnomAD compares: African/African-American, 0.0014%; no homozygotes.

Submission:

PreventionGenetics, part of Exact Sciences
Classification: Uncertain significance for ARHGEF28-related condition. Last evaluated: 2023-05-08. Review status: criteria provided, single submitter. Criteria: ACMG Guidelines, 2015. Collection method: clinical testing. Allele origin: germline.
Comment: The ARHGEF28 c.4391C>T variant is predicted to result in the amino acid substitution p.Ala1464Val. To our knowledge, this variant has not been reported in the literature. This variant is reported in 0.0065% of alleles in individuals of European (Non-Finnish) descent in gnomAD. At this time, the clinical significance of this variant is uncertain due to the absence of conclusive functional and genetic evidence.

NM_001177693.2(ARHGEF28):c.4391C>T (p.Ala1464Val)

Gene: ARHGEF28 (Rho guanine nucleotide exchange factor 28; plus strand). Cytogenetic location: 5q13.2.
Variant type: single nucleotide variant.
Coding change: c.4391C>T on transcript NM_001177693.2 (MANE Select); coding-DNA position 4391, C replaced by T.
Protein change: p.Ala1464Val; replaces alanine 1464 with valine.
Molecular consequence: missense variant.
Genome position (GRCh38, 1-based): chr5:73,909,641, C>T. VCF-style: chr5-73909641-C-T. GRCh37 (hg19) VCF-style: chr5-73205466-C-T.
Other names: c.4391C>T, p.Ala1464Val (NM_001080479.3, NM_001388078.1); c.3452C>T, p.Ala1151Val (NM_001244364.2); c.4097C>T, p.Ala1366Val (NM_001388076.1); short protein forms A1151V, A1366V, A1464V.
Identifiers: ClinVar variation 2635642 (VCV002635642.1), dbSNP rs1364181337, ClinGen allele CA360111340.